The following is an entry in ClinVar:

NM_024665.7(TBL1XR1):c.734A>G (p.Tyr245Cys)

Genes: TBL1XR1 (TBL1X/Y related 1; minus strand), TBL1XR1-AS1 (TBL1XR1 antisense RNA 1; plus strand). Cytogenetic location: 3q26.32.
Variant type: single nucleotide variant.
Coding change: c.734A>G on transcript NM_024665.7 (MANE Select); coding-DNA position 734, A replaced by G.
Protein change: p.Tyr245Cys; replaces tyrosine 245 with cysteine.
Molecular consequence: missense variant.
Genome position (GRCh38, 1-based): chr3:177,047,518, T>C on the plus strand (A>G on the coding strand, the complement: TBL1XR1 is on the minus strand). VCF-style: chr3-177047518-T-C. GRCh37 (hg19) VCF-style: chr3-176765306-T-C.
Other names: c.734A>G, p.Tyr245Cys (NM_001321193.3, NM_001321194.3, NM_001374327.1 and 2 more transcripts); c.473A>G, p.Tyr158Cys (NM_001321195.3, NM_001374330.1); short protein forms Y245C, Y158C.
Identifiers: ClinVar variation 225873 (VCV000225873.21), dbSNP rs878854401, ClinGen allele CA10576121.

ClinVar aggregate classification (germline): Pathogenic/Likely pathogenic. Review status: criteria provided, multiple submitters, no conflicts (2 of 4 stars). 7 submissions from 7 submitters: Pathogenic (2); Likely pathogenic (3). 2 of the submissions do not count toward it. Last evaluated 2025-10-01.

Conditions:
Intellectual developmental disorder, autosomal dominant 41. Also called: Intellectual disability, autosomal dominant 41. Identifiers: Orphanet 2823, MedGen C4310784, MONDO:0014842, OMIM 616944.
Pierpont syndrome (PRPTS). Identifiers: Orphanet 487825, MedGen C1865644, MONDO:0011213, OMIM 602342.

Submissions (7):

CeGaT Center for Human Genetics Tuebingen
Classification: Likely pathogenic. Last evaluated: 2025-10-01. Review status: criteria provided, single submitter. Criteria: CeGaT Center For Human Genetics Tuebingen Variant Classification Criteria Version 2. Collection method: clinical testing. Allele origin: germline. Affected: yes. Observed: 1 variant allele.
Comment: TBL1XR1: PM2, PM6, PS4:Moderate, PP2

Labcorp Genetics (formerly Invitae), Labcorp
Classification: Likely pathogenic for Pierpont syndrome. Last evaluated: 2025-03-31. Review status: criteria provided, single submitter. Criteria: Invitae Variant Classification Sherloc (09022015). Collection method: clinical testing. Allele origin: germline.
Comment: This sequence change replaces tyrosine, which is neutral and polar, with cysteine, which is neutral and slightly polar, at codon 245 of the TBL1XR1 protein (p.Tyr245Cys). This variant is not present in population databases (gnomAD no frequency). This missense change has been observed in individual(s) with clinical features of TBL1XR1-related conditions (PMID: 27133561, 33057194, 38250573; internal data). In at least one individual the variant was observed to be de novo. ClinVar contains an entry for this variant (Variation ID: 225873). An algorithm developed to predict the effect of missense changes on protein structure and function (PolyPhen-2) suggests that this variant is likely to be tolerated. In summary, the currently available evidence indicates that the variant is pathogenic, but additional data are needed to prove that conclusively. Therefore, this variant has been classified as Likely Pathogenic.

Laboratory of Genetics, Children's Clinical University Hospital Latvia
Classification: Pathogenic. Last evaluated: 2025-02-16. Review status: criteria provided, single submitter. Criteria: ACMG Guidelines, 2015. Collection method: clinical testing. Allele origin: germline. Affected: yes.

Fulgent Genetics
Classification: Likely pathogenic for Pierpont syndrome; Intellectual developmental disorder, autosomal dominant 41. Last evaluated: 2024-03-12. Review status: criteria provided, single submitter. Criteria: ACMG Guidelines, 2015. Collection method: clinical testing. Allele origin: germline.

GeneDx
Classification: Pathogenic. Last evaluated: 2023-12-19. Review status: criteria provided, single submitter. Criteria: GeneDx Variant Classification Process June 2021. Collection method: clinical testing. Allele origin: germline. Affected: yes.
Comment: Not observed in large population cohorts (gnomAD); In silico analysis supports that this missense variant has a deleterious effect on protein structure/function; This variant is associated with the following publications: (PMID: 34758253, 27535533, 27133561)

OMIM
Classification: Pathogenic for INTELLECTUAL DEVELOPMENTAL DISORDER, AUTOSOMAL DOMINANT 41. Last evaluated: 2022-07-19. Review status: no assertion criteria provided. Collection method: literature only. Allele origin: germline. Not counted in ClinVar's aggregate classification.

Genomics England Pilot Project, Genomics England
Classification: Likely pathogenic for Pierpont syndrome. Review status: no assertion criteria provided. Criteria: ACGS Guidelines, 2016. Collection method: clinical testing. Allele origin: germline. Affected: yes. Not counted in ClinVar's aggregate classification.

Literature cited by the submitters: PubMed 27133561 (cited by Labcorp Genetics (formerly Invitae), Labcorp and OMIM); PubMed 33057194 (cited by Labcorp Genetics (formerly Invitae), Labcorp); PubMed 38250573 (cited by Labcorp Genetics (formerly Invitae), Labcorp); PubMed 19760657 (cited by OMIM).